The following is an entry in ClinVar:

ClinVar aggregate classification (germline): Uncertain significance. Review status: criteria provided, multiple submitters, no conflicts (2 of 4 stars). 3 submissions from 3 submitters: Uncertain significance (3). Last evaluated 2024-08-06.

Conditions:
Hereditary cancer-predisposing syndrome. Also called: Neoplastic Syndromes, Hereditary; Hereditary neoplastic syndrome; Tumor predisposition; Hereditary Cancer Syndrome. Identifiers: Orphanet 140162, MedGen C0027672, MeSH D009386, MONDO:0015356.
Gorlin syndrome. Also called: Nevoid Basal Cell Carcinoma Syndrome; Basal cell nevus syndrome. Identifiers: Orphanet 377, MedGen C0004779, MONDO:0007187.

Allele frequency attached by ClinVar (database versions not stated): TOPMed below 0.00001; gnomAD 0.00001.
gnomAD v4.1: 1 of 1,614,094 alleles (0.000062%); highest among the groups gnomAD compares: African/African-American, 0.0013%; no homozygotes.

Submissions (3):

Labcorp Genetics (formerly Invitae), Labcorp
Classification: Uncertain significance for Gorlin syndrome. Last evaluated: 2024-08-06. Review status: criteria provided, single submitter. Criteria: Invitae Variant Classification Sherloc (09022015). Collection method: clinical testing. Allele origin: germline.
Comment: This sequence change replaces isoleucine, which is neutral and non-polar, with valine, which is neutral and non-polar, at codon 914 of the PTCH1 protein (p.Ile914Val). This variant is not present in population databases (gnomAD no frequency). This variant has not been reported in the literature in individuals affected with PTCH1-related conditions. ClinVar contains an entry for this variant (Variation ID: 844709). Advanced modeling of protein sequence and biophysical properties (such as structural, functional, and spatial information, amino acid conservation, physicochemical variation, residue mobility, and thermodynamic stability) performed at Invitae indicates that this missense variant is not expected to disrupt PTCH1 protein function with a negative predictive value of 95%. In summary, the available evidence is currently insufficient to determine the role of this variant in disease. Therefore, it has been classified as a Variant of Uncertain Significance.

Greenwood Genetic Center Diagnostic Laboratories, Greenwood Genetic Center
Classification: Uncertain significance. Last evaluated: 2022-06-07. Review status: criteria provided, single submitter. Criteria: ACMG Guidelines, 2015. Collection method: clinical testing. Allele origin: germline. Affected: yes.
Comment: PM2, BP4

Ambry Genetics
Classification: Uncertain significance for Hereditary cancer-predisposing syndrome. Last evaluated: 2020-04-23. Review status: criteria provided, single submitter. Criteria: Ambry Variant Classification Scheme 2023. Collection method: clinical testing. Allele origin: germline.
Comment: The p.I914V variant (also known as c.2740A>G), located in coding exon 17 of the PTCH1 gene, results from an A to G substitution at nucleotide position 2740. The isoleucine at codon 914 is replaced by valine, an amino acid with highly similar properties. This amino acid position is highly conserved in available vertebrate species. In addition, the in silico prediction for this alteration is inconclusive. Since supporting evidence is limited at this time, the clinical significance of this alteration remains unclear.

NM_000264.5(PTCH1):c.2740A>G (p.Ile914Val)

Gene: PTCH1 (patched 1; minus strand). Cytogenetic location: 9q22.32.
Variant type: single nucleotide variant.
Coding change: c.2740A>G on transcript NM_000264.5 (MANE Select); coding-DNA position 2740, A replaced by G.
Protein change: p.Ile914Val; replaces isoleucine 914 with valine.
Molecular consequence: missense variant. On other transcripts: non-coding transcript variant (1).
Genome position (GRCh38, 1-based): chr9:95,459,747, T>C on the plus strand (A>G on the coding strand, the complement: PTCH1 is on the minus strand). VCF-style: chr9-95459747-T-C. GRCh37 (hg19) VCF-style: chr9-98222029-T-C.
Other names: c.2542A>G, p.Ile848Val (NM_001083602.3); c.2287A>G, p.Ile763Val (NM_001083606.3, NM_001083607.3, NM_001083604.3 and 1 more transcripts); c.2584A>G, p.Ile862Val (NM_001354918.2); c.2737A>G, p.Ile913Val (NM_001083603.3); short protein forms I914V, I862V, I913V, I848V, I763V.
Identifiers: ClinVar variation 844709 (VCV000844709.14), dbSNP rs1441750517, ClinGen allele CA374113186.